The following is an entry in ClinVar:

ClinVar aggregate classification (germline): Uncertain significance (1 of 4 stars; one submission).

Conditions:
Hereditary cancer-predisposing syndrome. Also called: Neoplastic Syndromes, Hereditary; Tumor predisposition; Hereditary Cancer Syndrome; Hereditary neoplastic syndrome. Identifiers: Orphanet 140162, MedGen C0027672, MeSH D009386, MONDO:0015356.

Submission:

Ambry Genetics
Classification: Uncertain significance for Hereditary cancer-predisposing syndrome. Last evaluated: 2022-03-24. Review status: criteria provided, single submitter. Criteria: Ambry Variant Classification Scheme 2023. Collection method: clinical testing. Allele origin: germline.
Comment: The p.N358T variant (also known as c.1073A>C), located in coding exon 8 of the ATM gene, results from an A to C substitution at nucleotide position 1073. The asparagine at codon 358 is replaced by threonine, an amino acid with similar properties. This amino acid position is conserved. In addition, this alteration is predicted to be tolerated by in silico analysis. Since supporting evidence is limited at this time, the clinical significance of this alteration remains unclear.

NM_000051.4(ATM):c.1073A>C (p.Asn358Thr)

Gene: ATM (ATM serine/threonine kinase; plus strand). Cytogenetic location: 11q22.3.
Variant type: single nucleotide variant.
Coding change: c.1073A>C on transcript NM_000051.4 (MANE Select); coding-DNA position 1073, A replaced by C.
Protein change: p.Asn358Thr; replaces asparagine 358 with threonine.
Molecular consequence: missense variant.
Genome position (GRCh38, 1-based): chr11:108,248,940, A>C. VCF-style: chr11-108248940-A-C. GRCh37 (hg19) VCF-style: chr11-108119667-A-C.
Other names: c.1073A>C, p.Asn358Thr (NM_001351834.2); short protein forms N358T.
Identifiers: ClinVar variation 1784041 (VCV001784041.2), dbSNP rs149636614, ClinGen allele CA382532326.